The following is an entry in ClinVar:

ClinVar aggregate classification (germline): Pathogenic/Likely pathogenic. Review status: criteria provided, multiple submitters, no conflicts (2 of 4 stars). 9 submissions from 8 submitters: Pathogenic (2); Likely pathogenic (6). 1 of the submissions does not count toward it. Last evaluated 2025-01-24.

Conditions:
Retinitis pigmentosa 39 (RP39). Identifiers: Orphanet 791, MedGen C3151138, MONDO:0013436, OMIM 613809.
Retinitis pigmentosa (RP). Identifiers: Orphanet 791, MedGen C0035334, MeSH D012174, MONDO:0019200, OMIM 268000. Inheritance: Autosomal dominant, autosomal recessive and X linked inheritance.
Usher syndrome type 2A. Also called: RETINAL DISEASE IN USHER SYNDROME TYPE IIA, MODIFIER OF; USHER SYNDROME, TYPE IIA. Identifiers: Orphanet 231178, Orphanet 886, MedGen C1848634, MONDO:0010169, OMIM 276901.
Usher syndrome. Also called: Usher's syndrome; Usher Syndromes. Identifiers: Orphanet 886, MedGen CN469326, MeSH D052245, MONDO:0019501. Disease mechanism: loss of function.

Allele frequency attached by ClinVar (database versions not stated): gnomAD exomes below 0.00001.
gnomAD v4.1: 2 of 1,614,014 alleles (0.00012%); highest among the groups gnomAD compares: Non-Finnish European, 0.00017%; no homozygotes.

Submissions (9):

GeneDx
Classification: Likely pathogenic. Last evaluated: 2025-01-24. Review status: criteria provided, single submitter. Criteria: GeneDx Variant Classification Process June 2021. Collection method: clinical testing. Allele origin: germline. Affected: yes.
Comment: Not observed at significant frequency in large population cohorts (gnomAD); In silico analysis supports that this missense variant has a deleterious effect on protein structure/function; This variant is associated with the following publications: (PMID: 26927203, 31964843, 25999674, 28224992, 34906470, 34203967, 27318125, 27460420)

Labcorp Genetics (formerly Invitae), Labcorp
Classification: Pathogenic. Last evaluated: 2024-11-05. Review status: criteria provided, single submitter. Criteria: Invitae Variant Classification Sherloc (09022015). Collection method: clinical testing. Allele origin: germline.
Comment: This sequence change replaces proline, which is neutral and non-polar, with leucine, which is neutral and non-polar, at codon 2241 of the USH2A protein (p.Pro2241Leu). This variant is present in population databases (no rsID available, gnomAD 0.0009%). This missense change has been observed in individuals with retinitis pigmentosa and/or Usher syndrome (PMID: 25999674, 26927203, 27318125, 28224992; internal data). ClinVar contains an entry for this variant (Variation ID: 560523). Invitae Evidence Modeling of protein sequence and biophysical properties (such as structural, functional, and spatial information, amino acid conservation, physicochemical variation, residue mobility, and thermodynamic stability) has been performed for this missense variant. However, the output from this modeling did not meet the statistical confidence thresholds required to predict the impact of this variant on USH2A protein function. This variant disrupts the p.Pro2241 amino acid residue in USH2A. Other variant(s) that disrupt this residue have been observed in individuals with USH2A-related conditions (PMID: 27460420), which suggests that this may be a clinically significant amino acid residue. For these reasons, this variant has been classified as Pathogenic.

Baylor Genetics
Classification: Pathogenic for Retinitis pigmentosa 39. Last evaluated: 2024-03-18. Review status: criteria provided, single submitter. Criteria: ACMG Guidelines, 2015. Collection method: clinical testing. Allele origin: unknown.

Genome-Nilou Lab
Classification: Likely pathogenic for Retinitis pigmentosa 39. Last evaluated: 2023-11-04. Review status: criteria provided, single submitter. Criteria: ACMG Guidelines, 2015. Collection method: clinical testing. Allele origin: germline. Affected: no.

Genome-Nilou Lab
Classification: Likely pathogenic for Usher syndrome type 2A. Last evaluated: 2023-11-04. Review status: criteria provided, single submitter. Criteria: ACMG Guidelines, 2015. Collection method: clinical testing. Allele origin: germline. Affected: no.

Women's Health and Genetics/Laboratory Corporation of America, LabCorp
Classification: Likely pathogenic for Usher syndrome. Last evaluated: 2022-11-05. Review status: criteria provided, single submitter. Criteria: LabCorp Variant Classification Summary - May 2015. Collection method: clinical testing. Allele origin: germline.
Comment: Variant summary: USH2A c.6722C>T (p.Pro2241Leu) results in a non-conservative amino acid change located in the Fibronectin type III domain (IPR003961) of the encoded protein sequence. Five of five in-silico tools predict a damaging effect of the variant on protein function. The variant allele was found at a frequency of 4e-06 in 251092 control chromosomes (gnomAD). c.6722C>T has been reported in the literature as a biallelic genotype in individuals affected with Usher Syndrome (e.g. van Huet_2015, Hartel_2016, Pierrache_2016, Haer-Wigman_2017, Reurink_2021). These data indicate that the variant is likely to be associated with disease. To our knowledge, no experimental evidence demonstrating an impact on protein function has been reported. Four ClinVar submitters have assessed the variant since 2014: three classified the variant as likely pathogenic, and one as pathogenic. Based on the evidence outlined above, the variant was classified as likely pathogenic.

3billion
Classification: Likely pathogenic for Retinitis pigmentosa 39. Last evaluated: 2022-09-01. Review status: criteria provided, single submitter. Criteria: ACMG Guidelines, 2015. Collection method: clinical testing. Allele origin: germline. Affected: yes. Observed: 1 heterozygote.
Comment: The variant is observed at an extremely low frequency in the gnomAD v2.1.1 dataset (total allele frequency: <0.001%). Same nucleotide change resulting in same amino acid change has been previously reported as pathogenic/likely pathogenic with strong evidence (ClinVar ID: VCV000560523). Different missense changes at the same codon (p.Pro2241His, p.Pro2241Thr) have been reported to be associated with USH2A -related disorder (ClinVar ID: VCV000374001 / PMID: 27460420). Therefore, this variant is classified as Likely pathogenic according to the recommendation of ACMG/AMP guideline.

Broad Center for Mendelian Genomics, Broad Institute of MIT and Harvard
Classification: Likely pathogenic for Retinitis pigmentosa. Last evaluated: 2021-04-01. Review status: criteria provided, single submitter. Criteria: ACMG Guidelines, 2015. Collection method: curation. Allele origin: germline. Inheritance: Autosomal recessive inheritance. Affected: yes.
Comment: Through a review of available evidence we were able to apply the following criteria: PM2, PP3, PM3, PM1. Based on this evidence we have classified this variant as Likely Pathogenic. If you have any questions about the classification please reach out to the Pierce Lab.

Joint Genome Diagnostic Labs from Nijmegen and Maastricht, Radboudumc and MUMC+
Classification: Likely pathogenic for Usher syndrome type 2A. Last evaluated: 2016-09-01. Review status: no assertion criteria provided. Collection method: clinical testing. Allele origin: inherited, unknown. Affected: yes. Observed: 3 variant alleles. Not counted in ClinVar's aggregate classification.

Literature cited by the submitters: PubMed 25999674 (cited by 3 submitters); PubMed 26927203 (cited by 3 submitters); PubMed 27318125 (cited by 3 submitters); PubMed 28224992 (cited by Labcorp Genetics (formerly Invitae), Labcorp and Women's Health and Genetics/Laboratory Corporation of America, LabCorp); PubMed 27460420 (cited by 3 submitters); PubMed 34203967 (cited by Women's Health and Genetics/Laboratory Corporation of America, LabCorp); PubMed 34906470 (cited by Broad Center for Mendelian Genomics, Broad Institute of MIT and Harvard).

NM_206933.4(USH2A):c.6722C>T (p.Pro2241Leu)

Gene: USH2A (usherin; minus strand). Cytogenetic location: 1q41.
Variant type: single nucleotide variant.
Coding change: c.6722C>T on transcript NM_206933.4 (MANE Select); coding-DNA position 6722, C replaced by T.
Protein change: p.Pro2241Leu; replaces proline 2241 with leucine.
Molecular consequence: missense variant.
Genome position (GRCh38, 1-based): chr1:215,993,103, G>A on the plus strand (C>T on the coding strand, the complement: USH2A is on the minus strand). VCF-style: chr1-215993103-G-A. GRCh37 (hg19) VCF-style: chr1-216166445-G-A.
Other names: short protein forms P2241L.
Identifiers: ClinVar variation 560523 (VCV000560523.19), dbSNP rs1057518826, ClinGen allele CA344860455.
Genomic context (GRCh38, chr1:215,993,103, plus strand): 5'-CAGGAGACATTAAAGGAGTCAGGTGAATATGAGTGGGCTTTGGGGGCTGGCACGCCTTCG[G>A]GTATGTCCTCGTCAGTTAGGGCCTCACTGGCCTCACTCACTGTGCACCCACCACCTGTGC-3'
Protein context (NP_996816.3, residues 2231-2251): ASEALTDEDI[Pro2241Leu]EGVPAPKAHS